The following is an entry in ClinVar:

ClinVar aggregate classification (germline): other (0 of 4 stars; one submission).

Conditions:
Familial colorectal cancer. Identifiers: MedGen CN280943, MONDO:0023113. Disease mechanism: loss of function.

Submission:

Systems Biology Platform Zhejiang California International NanoSystems Institute
Classification: other for Familial colorectal cancer. Review status: no assertion criteria provided. Collection method: not provided. Allele origin: unknown.
ClinVar note: Converted during submission from cancer to other.

NM_000038.6(APC):c.1744-485A>T

Gene: APC (APC regulator of WNT signaling pathway; plus strand). Cytogenetic location: 5q22.2.
Variant type: single nucleotide variant.
Coding change: c.1744-485A>T on transcript NM_000038.6 (MANE Select); 485 bases into the intron before coding-DNA position 1744, A replaced by T.
Molecular consequence: intron variant.
Genome position (GRCh38, 1-based): chr5:112,834,466, A>T. VCF-style: chr5-112834466-A-T. GRCh37 (hg19) VCF-style: chr5-112170163-A-T.
Other names: c.1744-485A>T (NM_001354895.2, NM_001127510.3); c.1774-485A>T (NM_001354897.2); c.1471-485A>T (NM_001354902.2); c.1690-485A>T (NM_001127511.3); c.1669-485A>T (NM_001354898.2); c.1366-485A>T (NM_001354904.2); c.895-485A>T (NM_001354906.2); c.1798-485A>T (NM_001354896.2); and 5 more.
Identifiers: ClinVar variation 83206 (VCV000083206.2), dbSNP rs75356316, ClinGen allele CA005900.